The following is an entry in ClinVar:

NM_001114753.3(ENG):c.-8_8del (p.Met1fs)

Gene: ENG (endoglin; minus strand). Cytogenetic location: 9q34.11.
Variant type: Deletion.
Coding change: c.-8_8del on transcript NM_001114753.3 (MANE Select); 8 bases upstream of the start codon through coding-DNA position 8, 16 bases deleted (TGGACAGCATGGACCG).
Protein change: p.Met1fs; shifts the reading frame from methionine 1.
Molecular consequence: frameshift variant, initiator codon variant.
Genome position (GRCh38, 1-based): chr9:127,854,348-127,854,363, CGGTCCATGCTGTCCA deleted on the plus strand (TGGACAGCATGGACCG on the coding strand, the reverse complement: ENG is on the minus strand); deleting any 16 consecutive bases within chr9:127,854,348-127,854,365 gives the same sequence; the c. name uses the placement nearest the transcript's 3' end. VCF-style (leftmost placement, unchanged base first): chr9-127854347-GCGGTCCATGCTGTCCA-G. GRCh37 (hg19) VCF-style: chr9-130616626-GCGGTCCATGCTGTCCA-G.
Other names: c.-10_6del16, p.Met(?_1)_Asp2(?) (NM_000118.4, NM_001406715.1); short protein forms M1fs.
Identifiers: ClinVar variation 657994 (VCV000657994.12), dbSNP rs1588604603, ClinGen allele CA915947192.
Genomic context (GRCh38, chr9:127,854,347, plus strand): 5'-ACTTGTGGGGCTGAGGCTGCAGCTGGCCAGCAGCAGGGCAACAGCCAGAGGGAGCGTGCC[GCGGTCCATGCTGTCCA>G]CGTGGGGGCCTGTGCGCTGGGCCTTATCCTGTGTCCAGTGGCAGGGCTGCGGGCGGGCAC-3'

ClinVar aggregate classification (germline): Pathogenic (1 of 4 stars; one submission).

Conditions:
Hereditary hemorrhagic telangiectasia (HHT). Also called: ORW DISEASE; Osler Weber Rendu syndrome; OSLER-RENDU-WEBER DISEASE; Osler hemorrhagic telangiectasia syndrome. Identifiers: Orphanet 774, MedGen C0039445, MONDO:0019180. Disease mechanism: loss of function.

Submission:

Labcorp Genetics (formerly Invitae), Labcorp
Classification: Pathogenic for Hereditary hemorrhagic telangiectasia. Last evaluated: 2022-07-05. Review status: criteria provided, single submitter. Criteria: Invitae Variant Classification Sherloc (09022015). Collection method: clinical testing. Allele origin: germline.
Comment: Disruption of the initiator codon has been observed in individuals with hereditary hemorrhagic telangiectasia (PMID: 12920067, 15517393, 16429404, 21158752). This variant is not present in population databases (gnomAD no frequency). This sequence change affects the initiator methionine of the ENG mRNA. The next in-frame methionine is located at codon 183. ClinVar contains an entry for this variant (Variation ID: 657994). For these reasons, this variant has been classified as Pathogenic. Experimental studies and prediction algorithms are not available or were not evaluated, and the functional significance of this variant is currently unknown.

Literature cited by the submitters: PubMed 12920067; PubMed 15517393; PubMed 16429404; PubMed 21158752.